The following is an entry in ClinVar:

ClinVar aggregate classification (germline): Benign/Likely benign. Review status: criteria provided, multiple submitters, no conflicts (2 of 4 stars). 3 submissions from 3 submitters: Benign (2); Likely benign (1). Last evaluated 2026-01-02.

Allele frequency attached by ClinVar (database versions not stated): gnomAD exomes 0.00015 and 0.00043; ExAC 0.00017; gnomAD 0.00032 and 0.00034; TOPMed 0.00036; ESP Exome Variant Server 0.00047.
gnomAD v4.1: 464 of 1,084,915 alleles (0.043%); highest among the groups gnomAD compares: Non-Finnish European, 0.055%; 1 homozygote.

Submissions (3):

Labcorp Genetics (formerly Invitae), Labcorp
Classification: Benign. Last evaluated: 2026-01-02. Review status: criteria provided, single submitter. Criteria: Invitae Variant Classification Sherloc (09022015). Collection method: clinical testing. Allele origin: germline.

Women's Health and Genetics/Laboratory Corporation of America, LabCorp
Classification: Benign. Last evaluated: 2025-12-09. Review status: criteria provided, single submitter. Criteria: LabCorp Variant Classification Summary - May 2015. Collection method: clinical testing. Allele origin: germline.

GeneDx
Classification: Likely benign. Last evaluated: 2017-12-14. Review status: criteria provided, single submitter. Criteria: GeneDx Variant Classification (06012015). Collection method: clinical testing. Allele origin: germline. Affected: yes.
Comment: This variant is considered likely benign or benign based on one or more of the following criteria: it is a conservative change, it occurs at a poorly conserved position in the protein, it is predicted to be benign by multiple in silico algorithms, and/or has population frequency not consistent with disease.

NM_000444.6(PHEX):c.1482+16A>C

Genes: PHEX (phosphate regulating endopeptidase X-linked; plus strand), PHEX-AS1 (PHEX antisense RNA 1; minus strand). Cytogenetic location: Xp22.11.
Variant type: single nucleotide variant.
Coding change: c.1482+16A>C on transcript NM_000444.6 (MANE Select); 16 bases into the intron after coding-DNA position 1482, A replaced by C.
Molecular consequence: intron variant.
Genome position (GRCh38, 1-based): chrX:22,168,405, A>C. VCF-style: chrX-22168405-A-C. GRCh37 (hg19) VCF-style: chrX-22186522-A-C.
Other names: c.1482+16A>C (NM_001282754.2).
Identifiers: ClinVar variation 387377 (VCV000387377.10), dbSNP rs376298942, ClinGen allele CA10368262.